The following is an entry in ClinVar:

ClinVar aggregate classification (germline): Likely benign. Review status: criteria provided, single submitter (1 of 4 stars). 2 submissions from 2 submitters: Likely benign (1). 1 of the submissions does not count toward it. Last evaluated 2025-12-10.

Conditions:
CEP250-related disorder. Also called: CEP250-related condition.

Allele frequency attached by ClinVar (database versions not stated): TOPMed 0.00002; gnomAD 0.00004; gnomAD exomes 0.00004 and 0.00007; 1000 Genomes Project 30x 0.00016; ExAC 0.00031.
gnomAD v4.1: 59 of 1,535,708 alleles (0.0038%); highest among the groups gnomAD compares: South Asian, 0.018%; no homozygotes.

Submissions (2):

Labcorp Genetics (formerly Invitae), Labcorp
Classification: Likely benign. Last evaluated: 2025-12-10. Review status: criteria provided, single submitter. Criteria: Invitae Variant Classification Sherloc (09022015). Collection method: clinical testing. Allele origin: germline.

PreventionGenetics, part of Exact Sciences
Classification: Likely benign for CEP250-related condition. Last evaluated: 2019-05-07. Review status: no assertion criteria provided. Collection method: clinical testing. Allele origin: germline. Not counted in ClinVar's aggregate classification.
Comment: This variant is classified as likely benign based on ACMG/AMP sequence variant interpretation guidelines (Richards et al. 2015 PMID: 25741868, with internal and published modifications).

NM_007186.6(CEP250):c.3307-10T>C

Gene: CEP250 (centrosomal protein 250; plus strand). Cytogenetic location: 20q11.22.
Variant type: single nucleotide variant.
Coding change: c.3307-10T>C on transcript NM_007186.6 (MANE Select); 10 bases into the intron before coding-DNA position 3307, T replaced by C.
Molecular consequence: intron variant.
Genome position (GRCh38, 1-based): chr20:35,497,709, T>C. VCF-style: chr20-35497709-T-C. GRCh37 (hg19) VCF-style: chr20-34085538-T-C.
Other names: c.1411-10T>C (NM_001318219.1); c.3307-10T>C (NM_007186.5).
Identifiers: ClinVar variation 1134476 (VCV001134476.11), dbSNP rs775618192, ClinGen allele CA9833452.